The following is an entry in ClinVar:

ClinVar aggregate classification (germline): Uncertain significance. Review status: criteria provided, multiple submitters, no conflicts (2 of 4 stars). 2 submissions from 2 submitters: Uncertain significance (2). Last evaluated 2024-12-12.

Conditions:
Inborn genetic diseases. Identifiers: MedGen C0950123, MeSH D030342.
Acute myeloid leukemia (AML). Also called: Acute myeloid leukemia, adult; AML adult; Acute non-lymphocytic leukemia; Acute granulocytic leukemia; Leukemia, acute myeloid, somatic; Leukemia, acute myelogenous, somatic. Identifiers: Orphanet 519, MedGen C0023467, MeSH D015470, MONDO:0018874, OMIM 601626, HP:0004808. Disease mechanism: Constitutively activated FLT3.

Allele frequency attached by ClinVar (database versions not stated): gnomAD 0.00001; gnomAD exomes 0.00001; TOPMed 0.00001.
gnomAD v4.1: 9 of 1,191,994 alleles (0.00076%); highest among the groups gnomAD compares: South Asian, 0.012%; no homozygotes.

Submissions (2):

Ambry Genetics
Classification: Uncertain significance for Inborn genetic diseases. Last evaluated: 2024-12-12. Review status: criteria provided, single submitter. Criteria: Ambry Variant Classification Scheme 2023. Collection method: clinical testing. Allele origin: germline.
Comment: The p.H125Y variant (also known as c.373C>T), located in coding exon 1 of the CEBPA gene, results from a C to T substitution at nucleotide position 373. The histidine at codon 125 is replaced by tyrosine, an amino acid with similar properties. This amino acid position is conserved. In addition, this alteration is predicted to be tolerated by in silico analysis. Based on the available evidence, the clinical significance of this variant remains unclear.

Labcorp Genetics (formerly Invitae), Labcorp
Classification: Uncertain significance for Acute myeloid leukemia. Last evaluated: 2023-11-01. Review status: criteria provided, single submitter. Criteria: Invitae Variant Classification Sherloc (09022015). Collection method: clinical testing. Allele origin: germline.
Comment: This sequence change replaces histidine, which is basic and polar, with tyrosine, which is neutral and polar, at codon 125 of the CEBPA protein (p.His125Tyr). The frequency data for this variant in the population databases is considered unreliable, as metrics indicate insufficient coverage at this position in the gnomAD database. This variant has not been reported in the literature in individuals affected with CEBPA-related conditions. ClinVar contains an entry for this variant (Variation ID: 650550). Advanced modeling of protein sequence and biophysical properties (such as structural, functional, and spatial information, amino acid conservation, physicochemical variation, residue mobility, and thermodynamic stability) performed at Invitae indicates that this missense variant is not expected to disrupt CEBPA protein function with a negative predictive value of 80%. In summary, the available evidence is currently insufficient to determine the role of this variant in disease. Therefore, it has been classified as a Variant of Uncertain Significance.

NM_004364.5(CEBPA):c.373C>T (p.His125Tyr)

Gene: CEBPA (CCAAT enhancer binding protein alpha; minus strand). Cytogenetic location: 19q13.11.
Variant type: single nucleotide variant.
Coding change: c.373C>T on transcript NM_004364.5 (MANE Select); coding-DNA position 373, C replaced by T.
Protein change: p.His125Tyr; replaces histidine 125 with tyrosine.
Molecular consequence: missense variant.
Genome position (GRCh38, 1-based): chr19:33,302,042, G>A on the plus strand (C>T on the coding strand, the complement: CEBPA is on the minus strand). VCF-style: chr19-33302042-G-A. GRCh37 (hg19) VCF-style: chr19-33792948-G-A.
Other names: c.373C>T (NM_004364.3); c.16C>T, p.His6Tyr (NM_001285829.2); c.478C>T, p.His160Tyr (NM_001287424.2); c.331C>T, p.His111Tyr (NM_001287435.2); short protein forms H111Y, H125Y, H6Y, H160Y.
Identifiers: ClinVar variation 650550 (VCV000650550.11), dbSNP rs896656951, ClinGen allele CA307844335.